The following is an entry in ClinVar:

ClinVar aggregate classification (germline): Uncertain significance. Review status: criteria provided, multiple submitters, no conflicts (2 of 4 stars). 2 submissions from 2 submitters: Uncertain significance (2). Last evaluated 2024-11-10.

Conditions:
Inborn genetic diseases. Identifiers: MedGen C0950123, MeSH D030342.

gnomAD v4.1: 46 of 1,613,802 alleles (0.0029%); highest among the groups gnomAD compares: South Asian, 0.0033%; no homozygotes.

Submissions (2):

Ambry Genetics
Classification: Uncertain significance for Inborn genetic diseases. Last evaluated: 2024-11-10. Review status: criteria provided, single submitter. Criteria: Ambry Variant Classification Scheme 2023. Collection method: clinical testing. Allele origin: germline.

Labcorp Genetics (formerly Invitae), Labcorp
Classification: Uncertain significance. Last evaluated: 2024-03-29. Review status: criteria provided, single submitter. Criteria: Invitae Variant Classification Sherloc (09022015). Collection method: clinical testing. Allele origin: germline.
Comment: This sequence change replaces arginine, which is basic and polar, with glutamine, which is neutral and polar, at codon 1142 of the WNK4 protein (p.Arg1142Gln). The frequency data for this variant in the population databases is considered unreliable, as metrics indicate poor data quality at this position in the gnomAD database. This variant has not been reported in the literature in individuals affected with WNK4-related conditions. Advanced modeling of protein sequence and biophysical properties (such as structural, functional, and spatial information, amino acid conservation, physicochemical variation, residue mobility, and thermodynamic stability) performed at Invitae indicates that this missense variant is not expected to disrupt WNK4 protein function with a negative predictive value of 95%. In summary, the available evidence is currently insufficient to determine the role of this variant in disease. Therefore, it has been classified as a Variant of Uncertain Significance.

NM_032387.5(WNK4):c.3425G>A (p.Arg1142Gln)

Gene: WNK4 (WNK lysine deficient protein kinase 4; plus strand). Cytogenetic location: 17q21.2.
Variant type: single nucleotide variant.
Coding change: c.3425G>A on transcript NM_032387.5 (MANE Select); coding-DNA position 3425, G replaced by A.
Protein change: p.Arg1142Gln; replaces arginine 1142 with glutamine.
Molecular consequence: missense variant.
Genome position (GRCh38, 1-based): chr17:42,796,027, G>A. VCF-style: chr17-42796027-G-A. GRCh37 (hg19) VCF-style: chr17-40948045-G-A.
Other names: c.2417G>A, p.Arg806Gln (NM_001321299.2); short protein forms R1142Q, R806Q.
Identifiers: ClinVar variation 3470776 (VCV003470776.3).
Genomic context (GRCh38, chr17:42,796,027, plus strand): 5'-GCGAGGAGTCAGAAAGCAGTGGGGAAGATGAGGAGTTCTGGGCTGAGCTGCAGAGTCTTC[G>A]GCAGAAGTGAGTCTCGGGAGGATGGAGGAGTGAGAGGAGAACCTGGGAGAGCAAGGTGTG-3'
Protein context (NP_115763.2, residues 1132-1152): EEFWAELQSL[Arg1142Gln]QKHLSEVETL